The following is an entry in ClinVar:

NM_000179.3(MSH6):c.4021G>C (p.Glu1341Gln)

Gene: MSH6 (mutS homolog 6; plus strand). Cytogenetic location: 2p16.3.
Variant type: single nucleotide variant.
Coding change: c.4021G>C on transcript NM_000179.3 (MANE Select); coding-DNA position 4021, G replaced by C.
Protein change: p.Glu1341Gln; replaces glutamic acid 1341 with glutamine.
Molecular consequence: missense variant.
Genome position (GRCh38, 1-based): chr2:47,806,798, G>C. VCF-style: chr2-47806798-G-C. GRCh37 (hg19) VCF-style: chr2-48033937-G-C.
Other names: c.3631G>C, p.Glu1211Gln (NM_001281492.2); c.3115G>C, p.Glu1039Gln (NM_001281493.2, NM_001281494.2, NM_001406811.1 and 6 more transcripts); c.4117G>C, p.Glu1373Gln (NM_001406795.1); c.4021G>C, p.Glu1341Gln (NM_001406796.1, NM_001406809.1); c.3724G>C, p.Glu1242Gln (NM_001406797.1, NM_001406805.1, NM_001406818.1 and 8 more transcripts); c.3847G>C, p.Glu1283Gln (NM_001406798.1); c.3496G>C, p.Glu1166Gln (NM_001406799.1, NM_001406806.1, NM_001406807.1); c.*42G>C (NM_001406800.1); and 9 more; short protein forms E1211Q, E1285Q, E1341Q, E1283Q, E1343Q, E656Q, E819Q, E1039Q.
Identifiers: ClinVar variation 1737121 (VCV001737121.5), dbSNP rs2530893443, ClinGen allele CA346761658.

ClinVar aggregate classification (germline): Uncertain significance. Review status: criteria provided, multiple submitters, no conflicts (2 of 4 stars). 2 submissions from 2 submitters: Uncertain significance (2). Last evaluated 2025-10-04.

Conditions:
Hereditary nonpolyposis colorectal neoplasms. Identifiers: MedGen C0009405, MeSH D003123.
Hereditary cancer-predisposing syndrome. Also called: Neoplastic Syndromes, Hereditary; Tumor predisposition; Hereditary Cancer Syndrome; Hereditary neoplastic syndrome. Identifiers: Orphanet 140162, MedGen C0027672, MeSH D009386, MONDO:0015356.

Submissions (2):

Labcorp Genetics (formerly Invitae), Labcorp
Classification: Uncertain significance for Hereditary nonpolyposis colorectal neoplasms. Last evaluated: 2025-10-04. Review status: criteria provided, single submitter. Criteria: Invitae Variant Classification Sherloc (09022015). Collection method: clinical testing. Allele origin: germline.
Comment: This sequence change replaces glutamic acid, which is acidic and polar, with glutamine, which is neutral and polar, at codon 1341 of the MSH6 protein (p.Glu1341Gln). This variant is not present in population databases (gnomAD no frequency). This variant has not been reported in the literature in individuals affected with MSH6-related conditions. ClinVar contains an entry for this variant (Variation ID: 1737121). Invitae Evidence Modeling of protein sequence and biophysical properties (such as structural, functional, and spatial information, amino acid conservation, physicochemical variation, residue mobility, and thermodynamic stability) indicates that this missense variant is not expected to disrupt MSH6 protein function with a negative predictive value of 95%. In summary, the available evidence is currently insufficient to determine the role of this variant in disease. Therefore, it has been classified as a Variant of Uncertain Significance.

Ambry Genetics
Classification: Uncertain significance for Hereditary cancer-predisposing syndrome. Last evaluated: 2025-07-29. Review status: criteria provided, single submitter. Criteria: Ambry Variant Classification Scheme 2023. Collection method: clinical testing. Allele origin: germline.
Comment: The p.E1341Q variant (also known as c.4021G>C), located in coding exon 10 of the MSH6 gene, results from a G to C substitution at nucleotide position 4021. The glutamic acid at codon 1341 is replaced by glutamine, an amino acid with highly similar properties. This amino acid position is highly conserved in available vertebrate species. In addition, the in silico prediction for this alteration is inconclusive. Based on the available evidence, the clinical significance of this variant remains unclear.